The following is an entry in ClinVar:

NM_138927.4(SON):c.4835T>C (p.Ile1612Thr)

Gene: SON (SON DNA and RNA binding protein; plus strand). Cytogenetic location: 21q22.11.
Variant type: single nucleotide variant.
Coding change: c.4835T>C on transcript NM_138927.4 (MANE Select); coding-DNA position 4835, T replaced by C.
Protein change: p.Ile1612Thr; replaces isoleucine 1612 with threonine.
Molecular consequence: missense variant. On other transcripts: non-coding transcript variant (1), intron variant (1).
Genome position (GRCh38, 1-based): chr21:33,554,066, T>C. VCF-style: chr21-33554066-T-C. GRCh37 (hg19) VCF-style: chr21-34926372-T-C.
Other names: c.4835T>C, p.Ile1612Thr (NM_001291411.2, NM_032195.3); c.245-3090T>C (NM_001291412.3); short protein forms I1612T.
Identifiers: ClinVar variation 1520139 (VCV001520139.6), dbSNP rs2145835290, ClinGen allele CA410163478.

ClinVar aggregate classification (germline): Uncertain significance (1 of 4 stars; one submission).

Submission:

Labcorp Genetics (formerly Invitae), Labcorp
Classification: Uncertain significance. Last evaluated: 2023-07-29. Review status: criteria provided, single submitter. Criteria: Invitae Variant Classification Sherloc (09022015). Collection method: clinical testing. Allele origin: germline.
Comment: Algorithms developed to predict the effect of missense changes on protein structure and function output the following: SIFT: "Not Available"; PolyPhen-2: "Benign"; Align-GVGD: "Not Available". The threonine amino acid residue is found in multiple mammalian species, which suggests that this missense change does not adversely affect protein function. ClinVar contains an entry for this variant (Variation ID: 1520139). This variant has not been reported in the literature in individuals affected with SON-related conditions. This variant is not present in population databases (gnomAD no frequency). This sequence change replaces isoleucine, which is neutral and non-polar, with threonine, which is neutral and polar, at codon 1612 of the SON protein (p.Ile1612Thr). In summary, the available evidence is currently insufficient to determine the role of this variant in disease. Therefore, it has been classified as a Variant of Uncertain Significance.